The following is an entry in ClinVar:

ClinVar aggregate classification (germline): Benign/Likely benign. Review status: criteria provided, multiple submitters, no conflicts (2 of 4 stars). 4 submissions from 4 submitters: Benign (1); Likely benign (3). Last evaluated 2025-09-12.

Conditions:
DST-related disorder. Also called: DST-related disorders; DST-related condition.
Epidermolysis bullosa simplex 3, localized or generalized intermediate, with BP230 deficiency (EBS3). Also called: Epidermolysis bullosa simplex due to BP230 deficiency; Epidermolysis bullosa simplex, autosomal recessive 2. Identifiers: Orphanet 412181, MedGen C3809470, MONDO:0014180, OMIM 615425.
Hereditary sensory and autonomic neuropathy type 6. Also called: Neuropathy, hereditary sensory and autonomic, type VI; HSAN VI. Identifiers: Orphanet 314381, MedGen C3539003, MONDO:0013839, OMIM 614653.

Allele frequency attached by ClinVar (database versions not stated): gnomAD exomes 0.00019 and 0.00057; ExAC 0.00079; gnomAD 0.00202 and 0.00217; TOPMed 0.00232; 1000 Genomes Project 0.00240; 1000 Genomes Project 30x 0.00250; ESP Exome Variant Server 0.00323.
gnomAD v4.1: 605 of 1,613,868 alleles (0.037%); highest among the groups gnomAD compares: African/African-American, 0.72%; 1 homozygote.

Submissions (4):

Labcorp Genetics (formerly Invitae), Labcorp
Classification: Likely benign for Epidermolysis bullosa simplex 3, localized or generalized intermediate, with BP230 deficiency; Hereditary sensory and autonomic neuropathy type 6. Last evaluated: 2025-09-12. Review status: criteria provided, single submitter. Criteria: Invitae Variant Classification Sherloc (09022015). Collection method: clinical testing. Allele origin: germline.

CeGaT Center for Human Genetics Tuebingen
Classification: Likely benign. Last evaluated: 2025-05-01. Review status: criteria provided, single submitter. Criteria: CeGaT Center For Human Genetics Tuebingen Variant Classification Criteria Version 2. Collection method: clinical testing. Allele origin: germline. Affected: yes. Observed: 2 variant alleles.
Comment: DST: BP4

PreventionGenetics, part of Exact Sciences
Classification: Benign for DST-related condition. Last evaluated: 2025-03-12. Review status: criteria provided, single submitter. Criteria: ACMG Guidelines, 2015. Collection method: clinical testing. Allele origin: germline.
Comment: This variant is classified as benign based on ACMG/AMP sequence variant interpretation guidelines (Richards et al. 2015 PMID: 25741868, with internal and published modifications).

Blueprint Genetics
Classification: Likely benign. Last evaluated: 2024-10-07. Review status: criteria provided, single submitter. Criteria: ACMG Guidelines, 2015. Collection method: clinical testing. Allele origin: germline.

NM_001723.7(DST):c.6373G>A (p.Val2125Ile)

Gene: DST (dystonin; minus strand). Cytogenetic location: 6p12.1.
Variant type: single nucleotide variant.
Coding change: c.6373G>A on transcript NM_001723.7 (MANE Plus Clinical); coding-DNA position 6373, G replaced by A.
Protein change: p.Val2125Ile; replaces valine 2125 with isoleucine.
Molecular consequence: missense variant. On other transcripts: intron variant (10).
Genome position (GRCh38, 1-based): chr6:56,617,094, C>T on the plus strand (G>A on the coding strand, the complement: DST is on the minus strand). VCF-style: chr6-56617094-C-T. GRCh37 (hg19) VCF-style: chr6-56481892-C-T.
Other names: c.4831-2610G>A (NM_001144769.5); c.4930-2610G>A (NM_001374722.1, NM_001374736.1); c.4957-2610G>A (NM_001374734.1); c.4417-2610G>A (NM_001144770.2); c.4297-2610G>A (NM_001374730.1, NM_001386100.1, NM_183380.4 and 1 more transcripts); c.3319-2610G>A (NM_015548.5); short protein forms V2125I.
Identifiers: ClinVar variation 474539 (VCV000474539.32), dbSNP rs75275319, ClinGen allele CA3870179.